The following is an entry in ClinVar:

ClinVar aggregate classification (germline): Uncertain significance (1 of 4 stars; one submission).

Conditions:
Hereditary cancer-predisposing syndrome. Also called: Neoplastic Syndromes, Hereditary; Tumor predisposition; Hereditary neoplastic syndrome; Hereditary Cancer Syndrome. Identifiers: Orphanet 140162, MedGen C0027672, MeSH D009386, MONDO:0015356.

Submission:

Ambry Genetics
Classification: Uncertain significance for Hereditary cancer-predisposing syndrome. Last evaluated: 2024-04-07. Review status: criteria provided, single submitter. Criteria: Ambry Variant Classification Scheme 2023. Collection method: clinical testing. Allele origin: germline.
Comment: The p.T826P variant (also known as c.2476A>C), located in coding exon 10 of the AXIN2 gene, results from an A to C substitution at nucleotide position 2476. The threonine at codon 826 is replaced by proline, an amino acid with highly similar properties. This amino acid position is conserved. In addition, this alteration is predicted to be tolerated by in silico analysis. Based on the available evidence, the clinical significance of this variant remains unclear.

NM_004655.4(AXIN2):c.2476A>C (p.Thr826Pro)

Gene: AXIN2 (axin 2; minus strand). Cytogenetic location: 17q24.1.
Variant type: single nucleotide variant.
Coding change: c.2476A>C on transcript NM_004655.4 (MANE Select); coding-DNA position 2476, A replaced by C.
Protein change: p.Thr826Pro; replaces threonine 826 with proline.
Molecular consequence: missense variant.
Genome position (GRCh38, 1-based): chr17:65,530,032, T>G on the plus strand (A>C on the coding strand, the complement: AXIN2 is on the minus strand). VCF-style: chr17-65530032-T-G. GRCh37 (hg19) VCF-style: chr17-63526150-T-G.
Other names: c.2281A>C, p.Thr761Pro (NM_001363813.1); short protein forms T761P, T826P.
Identifiers: ClinVar variation 3335569 (VCV003335569.1).